The following is an entry in ClinVar:

ClinVar aggregate classification (germline): Uncertain significance (1 of 4 stars; one submission).

Conditions:
Charcot-Marie-Tooth disease type 2. Also called: Charcot-Marie-Tooth type 2. Identifiers: Orphanet 64746, MedGen C0270914, MONDO:0018993.

Allele frequency attached by ClinVar (database versions not stated): gnomAD exomes below 0.00001.
gnomAD v4.1: 4 of 1,614,022 alleles (0.00025%); highest among the groups gnomAD compares: Non-Finnish European, 0.00034%; no homozygotes.

Submission:

Labcorp Genetics (formerly Invitae), Labcorp
Classification: Uncertain significance for Charcot-Marie-Tooth disease type 2. Last evaluated: 2022-08-27. Review status: criteria provided, single submitter. Criteria: Invitae Variant Classification Sherloc (09022015). Collection method: clinical testing. Allele origin: germline.
Comment: In summary, the available evidence is currently insufficient to determine the role of this variant in disease. Therefore, it has been classified as a Variant of Uncertain Significance. Algorithms developed to predict the effect of missense changes on protein structure and function are either unavailable or do not agree on the potential impact of this missense change (SIFT: "Deleterious"; PolyPhen-2: "Probably Damaging"; Align-GVGD: "Class C15"). This variant has not been reported in the literature in individuals affected with KIF1B-related conditions. This variant is not present in population databases (gnomAD no frequency). This sequence change replaces leucine, which is neutral and non-polar, with proline, which is neutral and non-polar, at codon 938 of the KIF1B protein (p.Leu938Pro).

NM_001365951.3(KIF1B):c.2951T>C (p.Leu984Pro)

Gene: KIF1B (kinesin family member 1B; plus strand). Cytogenetic location: 1p36.22.
Variant type: single nucleotide variant.
Coding change: c.2951T>C on transcript NM_001365951.3 (MANE Select); coding-DNA position 2951, T replaced by C.
Protein change: p.Leu984Pro; replaces leucine 984 with proline.
Molecular consequence: missense variant.
Genome position (GRCh38, 1-based): chr1:10,334,546, T>C. VCF-style: chr1-10334546-T-C. GRCh37 (hg19) VCF-style: chr1-10394604-T-C.
Other names: c.2951T>C, p.Leu984Pro (NM_001365952.1); c.2813T>C, p.Leu938Pro (NM_015074.3); short protein forms L984P, L938P.
Identifiers: ClinVar variation 2149403 (VCV002149403.4), dbSNP rs2521700185, ClinGen allele CA338338617.